The following is an entry in ClinVar:

NM_145045.5(ODAD3):c.779A>G (p.His260Arg)

Gene: ODAD3 (outer dynein arm docking complex subunit 3; minus strand). Cytogenetic location: 19p13.2.
Variant type: single nucleotide variant.
Coding change: c.779A>G on transcript NM_145045.5 (MANE Select); coding-DNA position 779, A replaced by G.
Protein change: p.His260Arg; replaces histidine 260 with arginine.
Molecular consequence: missense variant.
Genome position (GRCh38, 1-based): chr19:11,426,507, T>C on the plus strand (A>G on the coding strand, the complement: ODAD3 is on the minus strand). VCF-style: chr19-11426507-T-C. GRCh37 (hg19) VCF-style: chr19-11537327-T-C.
Other names: c.617A>G, p.His206Arg (NM_001302453.1); c.599A>G, p.His200Arg (NM_001302454.2); short protein forms H200R, H206R, H260R.
Identifiers: ClinVar variation 3680758 (VCV003680758.2).

ClinVar aggregate classification (germline): Uncertain significance (1 of 4 stars; one submission).

Conditions:
Primary ciliary dyskinesia 30. Also called: CILIARY DYSKINESIA, PRIMARY, 30, WITH OR WITHOUT SITUS INVERSUS. Identifiers: Orphanet 244, MedGen C4015016, MONDO:0014465, OMIM 616037.

Submission:

Labcorp Genetics (formerly Invitae), Labcorp
Classification: Uncertain significance for Primary ciliary dyskinesia 30. Last evaluated: 2024-04-03. Review status: criteria provided, single submitter. Criteria: Invitae Variant Classification Sherloc (09022015). Collection method: clinical testing. Allele origin: germline.
Comment: This sequence change replaces histidine, which is basic and polar, with arginine, which is basic and polar, at codon 260 of the CCDC151 protein (p.His260Arg). This variant is not present in population databases (gnomAD no frequency). This variant has not been reported in the literature in individuals affected with CCDC151-related conditions. Algorithms developed to predict the effect of missense changes on protein structure and function output the following: SIFT: "Not Available"; PolyPhen-2: "Benign"; Align-GVGD: "Not Available". The arginine amino acid residue is found in multiple mammalian species, which suggests that this missense change does not adversely affect protein function. In summary, the available evidence is currently insufficient to determine the role of this variant in disease. Therefore, it has been classified as a Variant of Uncertain Significance.